The following is an entry in ClinVar:

ClinVar aggregate classification (germline): Uncertain significance (1 of 4 stars; one submission).

Submission:

GeneDx
Classification: Uncertain significance. Last evaluated: 2024-06-26. Review status: criteria provided, single submitter. Criteria: GeneDx Variant Classification Process June 2021. Collection method: clinical testing. Allele origin: germline. Affected: yes.
Comment: Not observed at significant frequency in large population cohorts (gnomAD); In silico analysis indicates that this missense variant does not alter protein structure/function; Has not been previously published as pathogenic or benign to our knowledge

NM_020922.5(WNK3):c.4187A>T (p.Tyr1396Phe)

Gene: WNK3 (WNK lysine deficient protein kinase 3; minus strand). Cytogenetic location: Xp11.22.
Variant type: single nucleotide variant.
Coding change: c.4187A>T on transcript NM_020922.5 (MANE Select); coding-DNA position 4187, A replaced by T.
Protein change: p.Tyr1396Phe; replaces tyrosine 1396 with phenylalanine.
Molecular consequence: missense variant.
Genome position (GRCh38, 1-based): chrX:54,237,379, T>A on the plus strand (A>T on the coding strand, the complement: WNK3 is on the minus strand). VCF-style: chrX-54237379-T-A. GRCh37 (hg19) VCF-style: chrX-54263812-T-A.
Other names: c.4046A>T, p.Tyr1349Phe (NM_001002838.4, NM_001395166.1); short protein forms Y1349F, Y1396F.
Identifiers: ClinVar variation 3392863 (VCV003392863.1).